The following is an entry in ClinVar:

NM_020533.3(MCOLN1):c.1100C>T (p.Ser367Leu)

Gene: MCOLN1 (mucolipin TRP cation channel 1; plus strand). Cytogenetic location: 19p13.2.
Variant type: single nucleotide variant.
Coding change: c.1100C>T on transcript NM_020533.3 (MANE Select); coding-DNA position 1100, C replaced by T.
Protein change: p.Ser367Leu; replaces serine 367 with leucine.
Molecular consequence: missense variant.
Genome position (GRCh38, 1-based): chr19:7,528,936, C>T. VCF-style: chr19-7528936-C-T. GRCh37 (hg19) VCF-style: chr19-7593822-C-T.
Other names: short protein forms S367L.
Identifiers: ClinVar variation 1429351 (VCV001429351.5), dbSNP rs775692310, ClinGen allele CA9139025.

ClinVar aggregate classification (germline): Uncertain significance (1 of 4 stars; one submission).

Conditions:
Mucolipidosis type IV (ML4). Also called: ML IV. Identifiers: Orphanet 578, MedGen C0238286, MONDO:0009653, OMIM 252650.

Allele frequency attached by ClinVar (database versions not stated): ExAC 0.00001; gnomAD 0.00001; gnomAD exomes 0.00001 and 0.00002; TOPMed 0.00002.
gnomAD v4.1: 17 of 1,614,072 alleles (0.0011%); highest among the groups gnomAD compares: Admixed American, 0.0017%; no homozygotes.

Submission:

Labcorp Genetics (formerly Invitae), Labcorp
Classification: Uncertain significance for Mucolipidosis type IV. Last evaluated: 2022-06-22. Review status: criteria provided, single submitter. Criteria: Invitae Variant Classification Sherloc (09022015). Collection method: clinical testing. Allele origin: germline.
Comment: This sequence change replaces serine, which is neutral and polar, with leucine, which is neutral and non-polar, at codon 367 of the MCOLN1 protein (p.Ser367Leu). This variant is present in population databases (rs775692310, gnomAD 0.002%). This variant has not been reported in the literature in individuals affected with MCOLN1-related conditions. Algorithms developed to predict the effect of missense changes on protein structure and function (SIFT, PolyPhen-2, Align-GVGD) all suggest that this variant is likely to be tolerated. In summary, the available evidence is currently insufficient to determine the role of this variant in disease. Therefore, it has been classified as a Variant of Uncertain Significance.